The following is an entry in ClinVar:

ClinVar aggregate classification (germline): Pathogenic. Review status: criteria provided, multiple submitters, no conflicts (2 of 4 stars). 3 submissions from 3 submitters: Pathogenic (3). Last evaluated 2023-04-11.

Conditions:
Microcephaly 5, primary, autosomal recessive (MCPH5). Also called: ASPM Primary Microcephaly. Identifiers: Orphanet 2512, MedGen C1837501, MONDO:0012106, OMIM 608716.

Allele frequency attached by ClinVar (database versions not stated): gnomAD exomes 0.00001.
gnomAD v4.1: 7 of 1,612,604 alleles (0.00043%); highest among the groups gnomAD compares: Non-Finnish European, 0.00059%; no homozygotes.

Submissions (3):

Genome-Nilou Lab
Classification: Pathogenic for Microcephaly 5, primary, autosomal recessive. Last evaluated: 2023-04-11. Review status: criteria provided, single submitter. Criteria: ACMG Guidelines, 2015. Collection method: clinical testing. Allele origin: germline. Affected: no.

Genetic Services Laboratory, University of Chicago
Classification: Pathogenic. Last evaluated: 2019-01-10. Review status: criteria provided, single submitter. Criteria: ACMG Guidelines, 2015. Collection method: clinical testing. Allele origin: germline. Affected: yes.
Comment: DNA sequence analysis of the ASPM gene demonstrated a truncating, pathogenic sequence change, c.6082C>T, which results in the creation of a premature stop codon at amino acid position 2028, p.Gln2028*. This pathogenic sequence change is predicted to result in an abnormal transcript, which may be degraded, or may lead to the production of a truncated ASPM protein with potentially abnormal function. This sequence change does not appear to have been previously described in patients with ASPM-related disorders and has not been reported in population databases such as ExAC or gnomAD.

GeneDx
Classification: Pathogenic. Last evaluated: 2018-03-06. Review status: criteria provided, single submitter. Criteria: GeneDx Variant Classification (06012015). Collection method: clinical testing. Allele origin: germline. Affected: yes.
Comment: The Q2028X variant in the ASPM has not been reported previously as a pathogenic variant nor as a benign variant, to our knowledge. This variant is predicted to cause loss of normal protein function either through protein truncation or nonsense-mediated mRNA decay. The Q2028X variant is not observed in large population cohorts (Lek et al., 2016). We interpret Q2028X as a pathogenic variant.

NM_018136.5(ASPM):c.6082C>T (p.Gln2028Ter)

Gene: ASPM (assembly factor for spindle microtubules; minus strand). Cytogenetic location: 1q31.3.
Variant type: single nucleotide variant.
Coding change: c.6082C>T on transcript NM_018136.5 (MANE Select); coding-DNA position 6082, C replaced by T.
Protein change: p.Gln2028Ter; replaces glutamine 2028 with a stop codon.
Molecular consequence: nonsense. On other transcripts: intron variant (1).
Genome position (GRCh38, 1-based): chr1:197,103,169, G>A on the plus strand (C>T on the coding strand, the complement: ASPM is on the minus strand). VCF-style: chr1-197103169-G-A. GRCh37 (hg19) VCF-style: chr1-197072299-G-A.
Other names: c.4066-7005C>T (NM_001206846.2); short protein forms Q2028*.
Identifiers: ClinVar variation 523814 (VCV000523814.7), dbSNP rs1553223496, ClinGen allele CA344023712.